The following is an entry in ClinVar:

ClinVar aggregate classification (germline): Uncertain significance (1 of 4 stars; one submission).

Submission:

GeneDx
Classification: Uncertain significance. Last evaluated: 2024-09-19. Review status: criteria provided, single submitter. Criteria: GeneDx Variant Classification Process June 2021. Collection method: clinical testing. Allele origin: germline. Affected: yes.
Comment: Not observed at significant frequency in large population cohorts (gnomAD); Has not been previously published as pathogenic or benign to our knowledge; Variants in candidate genes are classified as variants of uncertain significance in accordance with ACMG guidelines (PMID: 25741868); Frameshift variant predicted to result in protein truncation or nonsense mediated decay in a gene for which loss-of-function is not an established mechanism of disease

NM_005998.5(CCT3):c.591dup (p.Tyr198fs)

Gene: CCT3 (chaperonin containing TCP1 subunit 3; minus strand). Cytogenetic location: 1q22.
Variant type: Duplication.
Coding change: c.591dup on transcript NM_005998.5 (MANE Select); coding-DNA position 591, one base duplicated (A; older notation c.591dupA).
Protein change: p.Tyr198fs; shifts the reading frame from tyrosine 198.
Molecular consequence: frameshift variant. On other transcripts: non-coding transcript variant (2).
Genome position (GRCh38, 1-based): chr1:156,320,857, T duplicated on the plus strand (A on the coding strand, the reverse complement: CCT3 is on the minus strand); the first of 7 consecutive T bases (chr1:156,320,857-156,320,863); duplicating any one gives the same sequence. VCF-style (leftmost placement, unchanged base first): chr1-156320856-A-AT. GRCh37 (hg19) VCF-style: chr1-156290647-A-AT.
Other names: c.477dup, p.Tyr160fs (NM_001008800.3); short protein forms Y160fs, Y198fs.
Identifiers: ClinVar variation 3774042 (VCV003774042.1).